The following is an entry in ClinVar:

ClinVar aggregate classification (germline): Uncertain significance (1 of 4 stars; one submission).

Conditions:
PMM2-congenital disorder of glycosylation. Also called: JAEKEN SYNDROME; PHOSPHOMANNOMUTASE 2 DEFICIENCY; CARBOHYDRATE-DEFICIENT GLYCOPROTEIN SYNDROME, TYPE Ia; Congenital disorder of glycosylation, type Ia; PMM2-CDG; CDG Ia. Identifiers: Orphanet 79318, MedGen C0349653, MONDO:0008907, OMIM 212065.

Submission:

Labcorp Genetics (formerly Invitae), Labcorp
Classification: Uncertain significance for PMM2-congenital disorder of glycosylation. Last evaluated: 2023-10-23. Review status: criteria provided, single submitter. Criteria: Invitae Variant Classification Sherloc (09022015). Collection method: clinical testing. Allele origin: germline.
Comment: This sequence change replaces glutamic acid, which is acidic and polar, with glutamine, which is neutral and polar, at codon 235 of the PMM2 protein (p.Glu235Gln). This variant is not present in population databases (gnomAD no frequency). This variant has not been reported in the literature in individuals affected with PMM2-related conditions. Advanced modeling of protein sequence and biophysical properties (such as structural, functional, and spatial information, amino acid conservation, physicochemical variation, residue mobility, and thermodynamic stability) performed at Invitae indicates that this missense variant is expected to disrupt PMM2 protein function with a positive predictive value of 95%. In summary, the available evidence is currently insufficient to determine the role of this variant in disease. Therefore, it has been classified as a Variant of Uncertain Significance.

NM_000303.3(PMM2):c.703G>C (p.Glu235Gln)

Gene: PMM2 (phosphomannomutase 2; plus strand). Cytogenetic location: 16p13.2.
Variant type: single nucleotide variant.
Coding change: c.703G>C on transcript NM_000303.3 (MANE Select); coding-DNA position 703, G replaced by C.
Protein change: p.Glu235Gln; replaces glutamic acid 235 with glutamine.
Molecular consequence: missense variant.
Genome position (GRCh38, 1-based): chr16:8,847,787, G>C. VCF-style: chr16-8847787-G-C. GRCh37 (hg19) VCF-style: chr16-8941644-G-C.
Other names: short protein forms E235Q.
Identifiers: ClinVar variation 2755540 (VCV002755540.3), dbSNP rs763091085, ClinGen allele CA394689641.